The following is an entry in ClinVar:

NM_001142416.2(AIMP1):c.89_92del (p.Ser30fs)

Gene: AIMP1 (aminoacyl tRNA synthetase complex interacting multifunctional protein 1; plus strand). Cytogenetic location: 4q24.
Variant type: Deletion.
Coding change: c.89_92del on transcript NM_001142416.2 (MANE Select); coding-DNA positions 89 to 92, 4 bases deleted (CTCT; older notation c.89_92delCTCT).
Protein change: p.Ser30fs; shifts the reading frame from serine 30.
Molecular consequence: frameshift variant.
Genome position (GRCh38, 1-based): chr4:106,325,098-106,325,101, CTCT deleted; deleting any 4 consecutive bases within chr4:106,325,097-106,325,101 gives the same sequence; the c. name uses the placement nearest the transcript's 3' end. VCF-style (leftmost placement, unchanged base first): chr4-106325096-TTCTC-T. GRCh37 (hg19) VCF-style: chr4-107246253-TTCTC-T.
Other names: c.89_92del, p.Ser30fs (NM_001142415.2, NM_004757.4); short protein forms S30fs.
Identifiers: ClinVar variation 2017299 (VCV002017299.4), dbSNP rs2476179074, ClinGen allele CA2580071319.

ClinVar aggregate classification (germline): Pathogenic (1 of 4 stars; one submission).

Submission:

Labcorp Genetics (formerly Invitae), Labcorp
Classification: Pathogenic. Last evaluated: 2022-07-21. Review status: criteria provided, single submitter. Criteria: Invitae Variant Classification Sherloc (09022015). Collection method: clinical testing. Allele origin: germline.
Comment: This sequence change creates a premature translational stop signal (p.Ser30Tyrfs*12) in the AIMP1 gene. It is expected to result in an absent or disrupted protein product. Loss-of-function variants in AIMP1 are known to be pathogenic (PMID: 21092922). For these reasons, this variant has been classified as Pathogenic. This variant has not been reported in the literature in individuals affected with AIMP1-related conditions. This variant is not present in population databases (gnomAD no frequency).

Literature cited by the submitters: PubMed 21092922.